The following is an entry in ClinVar:

ClinVar aggregate classification (germline): Pathogenic (1 of 4 stars; one submission).

Conditions:
Fanconi anemia (FA). Also called: Fanconi's anemia. Identifiers: Orphanet 84, MedGen C0015625, MeSH D005199, MONDO:0019391.

Submission:

Labcorp Genetics (formerly Invitae), Labcorp
Classification: Pathogenic for Fanconi anemia. Last evaluated: 2025-10-06. Review status: criteria provided, single submitter. Criteria: Invitae Variant Classification Sherloc (09022015). Collection method: clinical testing. Allele origin: germline.
Comment: This sequence change creates a premature translational stop signal (p.Thr323Profs*15) in the FANCA gene. It is expected to result in an absent or disrupted protein product. Loss-of-function variants in FANCA are known to be pathogenic (PMID: 19367192). This variant is not present in population databases (gnomAD no frequency). This variant has not been reported in the literature in individuals affected with FANCA-related conditions. For these reasons, this variant has been classified as Pathogenic.

Literature cited by the submitters: PubMed 19367192.

NM_000135.4(FANCA):c.967_968del (p.Thr323fs)

Gene: FANCA (FA complementation group A; minus strand). Cytogenetic location: 16q24.3.
Variant type: Deletion.
Coding change: c.967_968del on transcript NM_000135.4 (MANE Select); coding-DNA positions 967 to 968, 2 bases deleted (AC; older notation c.967_968delAC).
Protein change: p.Thr323fs; shifts the reading frame from threonine 323.
Molecular consequence: frameshift variant.
Genome position (GRCh38, 1-based): chr16:89,795,944-89,795,945, GT deleted on the plus strand (AC on the coding strand, the reverse complement: FANCA is on the minus strand). VCF-style (leftmost placement, unchanged base first): chr16-89795943-GGT-G. GRCh37 (hg19) VCF-style: chr16-89862351-GGT-G.
Other names: c.967_968del, p.Thr323fs (NM_001286167.3); short protein forms T323fs.
Identifiers: ClinVar variation 4728540 (VCV004728540.1).
Genomic context (GRCh38, chr16:89,795,943, plus strand): 5'-AGCAGCCTCCACACTGGGCCTACCTTTCAGCACAGGGCTGTGAGTGAGTATCTGAGTCAG[GGT>G]ATGACTGAAGAACCTCTTCAGAGGATCTGTGGAAATTACACTGCCAAGCGTGTGTCCACT-3'